The following is an entry in ClinVar:

NM_000038.6(APC):c.4897dup (p.Thr1633fs)

Gene: APC (APC regulator of Wnt signaling pathway; plus strand). Cytogenetic location: 5q22.2.
Variant type: Duplication.
Coding change: c.4897dup on transcript NM_000038.6 (MANE Select); coding-DNA position 4897, one base duplicated (A; older notation c.4897dupA).
Protein change: p.Thr1633fs; shifts the reading frame from threonine 1633.
Molecular consequence: frameshift variant. On other transcripts: non-coding transcript variant (2).
Genome position (GRCh38, 1-based): chr5:112,840,491, A duplicated. VCF-style (leftmost placement, unchanged base first): chr5-112840490-T-TA. GRCh37 (hg19) VCF-style: chr5-112176187-T-TA.
Other names: c.4897dup, p.Thr1633fs (NM_001127510.3, NM_001354895.2, NM_001407450.1); c.4843dup, p.Thr1615fs (NM_001127511.3); c.4813dup, p.Thr1605fs (NM_001354899.2); c.4774dup, p.Thr1592fs (NM_001354900.2); c.4951dup, p.Thr1651fs (NM_001354896.2, NM_001407447.1, NM_001407448.1 and 1 more transcripts); c.4927dup, p.Thr1643fs (NM_001354897.2); c.4822dup, p.Thr1608fs (NM_001354898.2); c.4720dup, p.Thr1574fs (NM_001354901.2, NM_001407453.1); and 11 more; short protein forms T1249fs, T1542fs, T1550fs, T1592fs, T1605fs, T1615fs, T1623fs, T1633fs.
Identifiers: ClinVar variation 2755853 (VCV002755853.3), dbSNP rs1765800063, ClinGen allele CA2697546421.

ClinVar aggregate classification (germline): Pathogenic (1 of 4 stars; one submission).

Conditions:
Familial adenomatous polyposis 1 (FAP1). Also called: POLYPOSIS, ADENOMATOUS INTESTINAL; FAMILIAL ADENOMATOUS POLYPOSIS 1, ATTENUATED. Identifiers: MedGen C2713442, MONDO:0021056, OMIM 175100. Disease mechanism: loss of function.

Submission:

Labcorp Genetics (formerly Invitae), Labcorp
Classification: Pathogenic for Familial adenomatous polyposis 1. Last evaluated: 2023-08-28. Review status: criteria provided, single submitter. Criteria: Invitae Variant Classification Sherloc (09022015). Collection method: clinical testing. Allele origin: germline.
Comment: This variant disrupts a region of the APC protein in which other variant(s) (p.Tyr2645Lysfs*14) have been determined to be pathogenic (PMID: 1316610, 8381579, 9824584, 22135120, 27081525; Invitae). This suggests that this is a clinically significant region of the protein, and that variants that disrupt it are likely to be disease-causing. For these reasons, this variant has been classified as Pathogenic. This variant is expected to disrupt the EB1 and HDLG binding sites, which mediate interactions with the cytoskeleton (PMID: 15311282, 17293347). While functional studies have not been performed to directly test the effect on APC protein function, this suggests that disruption of the C-terminal portion of the protein is functionally important. This sequence change creates a premature translational stop signal (p.Thr1633Asnfs*5) in the APC gene. While this is not anticipated to result in nonsense mediated decay, it is expected to disrupt the last 1211 amino acid(s) of the APC protein. This variant is not present in population databases (gnomAD no frequency). This variant has not been reported in the literature in individuals affected with APC-related conditions.

Literature cited by the submitters: PubMed 1316610; PubMed 8381579; PubMed 9824584; PubMed 22135120; PubMed 27081525; PubMed 15311282; PubMed 17293347.